The following is an entry in ClinVar:

NM_006303.4(AIMP2):c.575-3C>G

Genes: AIMP2 (aminoacyl tRNA synthetase complex interacting multifunctional protein 2; plus strand), EIF2AK1 (eukaryotic translation initiation factor 2 alpha kinase 1; minus strand). Cytogenetic location: 7p22.1.
Variant type: single nucleotide variant.
Coding change: c.575-3C>G on transcript NM_006303.4 (MANE Select); 3 bases into the intron before coding-DNA position 575, C replaced by G.
Molecular consequence: intron variant. On other transcripts: 3 prime UTR variant (2).
Genome position (GRCh38, 1-based): chr7:6,023,300, C>G. VCF-style: chr7-6023300-C-G. GRCh37 (hg19) VCF-style: chr7-6062931-C-G.
Other names: c.*1373G>C (NM_001134335.2, NM_014413.4); c.341-3C>G (NM_001326609.2, NM_001326611.3, NM_001326610.2); c.368-3C>G (NM_001326607.2); c.455-3C>G (NM_001326606.2); c.488-3C>G (NM_001362785.2); c.443-3C>G (NM_001362787.2).
Identifiers: ClinVar variation 2221251 (VCV002221251.2), dbSNP rs748822585, ClinGen allele CA1139768800.
Genomic context (GRCh38, chr7:6,023,300, plus strand): 5'-CTGTGCGAGTACTTCCCTCAGGGCTGCTCTGGTGATGCTACCTGGCGTGTTTTTTCTTTT[C>G]AGTGCCGAAGACGCAGATGAAATTCAGCATCCAGACGATGTGCCCCATCGAAGGCGAAGG-3'

ClinVar aggregate classification (germline): Uncertain significance (1 of 4 stars; one submission).

Conditions:
Inborn genetic diseases. Identifiers: MedGen C0950123, MeSH D030342.

Submission:

Ambry Genetics
Classification: Uncertain significance for Inborn genetic diseases. Last evaluated: 2020-12-15. Review status: criteria provided, single submitter. Criteria: Ambry Variant Classification Scheme 2023. Collection method: clinical testing. Allele origin: germline.
Comment: The c.575-3C>G intronic alteration consists of a C to G substitution 3 nucleotides before coding exon 4 in the AIMP2 gene. Based on insufficient or conflicting evidence, the clinical significance of this alteration remains unclear.